The following is an entry in ClinVar:

NM_022765.4(MICAL1):c.463A>G (p.Ile155Val)

Gene: MICAL1 (microtubule associated monooxygenase, calponin and LIM domain containing 1; minus strand). Cytogenetic location: 6q21.
Variant type: single nucleotide variant.
Coding change: c.463A>G on transcript NM_022765.4 (MANE Select); coding-DNA position 463, A replaced by G.
Protein change: p.Ile155Val; replaces isoleucine 155 with valine.
Molecular consequence: missense variant.
Genome position (GRCh38, 1-based): chr6:109,453,641, T>C on the plus strand (A>G on the coding strand, the complement: MICAL1 is on the minus strand). VCF-style: chr6-109453641-T-C. GRCh37 (hg19) VCF-style: chr6-109774844-T-C.
Other names: c.463A>G, p.Ile155Val (NM_001159291.2); c.520A>G, p.Ile174Val (NM_001286613.2); short protein forms I155V, I174V.
Identifiers: ClinVar variation 4772889 (VCV004772889.1).

ClinVar aggregate classification (germline): Uncertain significance (1 of 4 stars; one submission).

gnomAD v4.1: 4 of 1,598,460 alleles (0.00025%); highest among the groups gnomAD compares: East Asian, 0.0091%; no homozygotes.

Submission:

Labcorp Genetics (formerly Invitae), Labcorp
Classification: Uncertain significance. Last evaluated: 2025-05-11. Review status: criteria provided, single submitter. Criteria: Invitae Variant Classification Sherloc (09022015). Collection method: clinical testing. Allele origin: germline.
Comment: This sequence change replaces isoleucine, which is neutral and non-polar, with valine, which is neutral and non-polar, at codon 174 of the MICAL1 protein (p.Ile174Val). This variant is not present in population databases (gnomAD no frequency). This variant has not been reported in the literature in individuals affected with MICAL1-related conditions. An algorithm developed to predict the effect of missense changes on protein structure and function (PolyPhen-2) suggests that this variant is likely to be disruptive. Algorithms developed to predict the effect of sequence changes on RNA splicing suggest that this variant may disrupt the consensus splice site. In summary, the available evidence is currently insufficient to determine the role of this variant in disease. Therefore, it has been classified as a Variant of Uncertain Significance.